The following is an entry in ClinVar:

NM_001165963.4(SCN1A):c.5162C>T (p.Thr1721Ile)

Genes: SCN1A (sodium voltage-gated channel alpha subunit 1; minus strand), LOC102724058 (uncharacterized LOC102724058; plus strand). Cytogenetic location: 2q24.3.
Variant type: single nucleotide variant.
Coding change: c.5162C>T on transcript NM_001165963.4 (MANE Select); coding-DNA position 5162, C replaced by T.
Protein change: p.Thr1721Ile; replaces threonine 1721 with isoleucine.
Molecular consequence: missense variant. On other transcripts: non-coding transcript variant (1).
Genome position (GRCh38, 1-based): chr2:165,992,113, G>A on the plus strand (C>T on the coding strand, the complement: SCN1A is on the minus strand). VCF-style: chr2-165992113-G-A. GRCh37 (hg19) VCF-style: chr2-166848623-G-A.
Other names: c.5129C>T, p.Thr1710Ile (NM_001353952.2, NM_006920.6, NM_001353949.2 and 2 more transcripts); c.5126C>T, p.Thr1709Ile (NM_001353954.2, NM_001353955.2); c.5078C>T, p.Thr1693Ile (NM_001353957.2, NM_001353958.2, NM_001165964.3); c.5075C>T, p.Thr1692Ile (NM_001353960.2); c.2720C>T, p.Thr907Ile (NM_001353961.2); c.5162C>T, p.Thr1721Ile (NM_001202435.3, NM_001353948.2); short protein forms T1710I, T1693I, T1721I, T907I, T1692I, T1709I.
Identifiers: ClinVar variation 2744559 (VCV002744559.3), dbSNP rs121917978, ClinGen allele CA349068837.

ClinVar aggregate classification (germline): Uncertain significance (1 of 4 stars; one submission).

Conditions:
Early-infantile DEE. Also called: Early infantile epileptic encephalopathy with suppression bursts; Early infantile epileptic encephalopathy; Ohtahara syndrome. Identifiers: Orphanet 1934, MedGen C0393706, MONDO:0800491.

Submission:

Labcorp Genetics (formerly Invitae), Labcorp
Classification: Uncertain significance for Early-infantile DEE. Last evaluated: 2023-10-13. Review status: criteria provided, single submitter. Criteria: Invitae Variant Classification Sherloc (09022015). Collection method: clinical testing. Allele origin: germline.
Comment: This sequence change replaces threonine, which is neutral and polar, with isoleucine, which is neutral and non-polar, at codon 1721 of the SCN1A protein (p.Thr1721Ile). This variant is not present in population databases (gnomAD no frequency). This variant has not been reported in the literature in individuals affected with SCN1A-related conditions. Advanced modeling of protein sequence and biophysical properties (such as structural, functional, and spatial information, amino acid conservation, physicochemical variation, residue mobility, and thermodynamic stability) performed at Invitae indicates that this missense variant is expected to disrupt SCN1A protein function. In summary, the available evidence is currently insufficient to determine the role of this variant in disease. Therefore, it has been classified as a Variant of Uncertain Significance.